The following is an entry in ClinVar:

ClinVar aggregate classification (germline): Uncertain significance (1 of 4 stars; one submission).

Conditions:
Dilated cardiomyopathy 1HH (CMD1HH). Identifiers: Orphanet 154, MedGen C3151293, MONDO:0013479, OMIM 613881.
Myofibrillar myopathy 6. Identifiers: Orphanet 199340, MedGen C2751831, MONDO:0013061, OMIM 612954.

Submission:

Labcorp Genetics (formerly Invitae), Labcorp
Classification: Uncertain significance for Dilated cardiomyopathy 1HH; Myofibrillar myopathy 6. Last evaluated: 2022-11-06. Review status: criteria provided, single submitter. Criteria: Invitae Variant Classification Sherloc (09022015). Collection method: clinical testing. Allele origin: germline.
Comment: In summary, the available evidence is currently insufficient to determine the role of this variant in disease. Therefore, it has been classified as a Variant of Uncertain Significance. Advanced modeling of protein sequence and biophysical properties (such as structural, functional, and spatial information, amino acid conservation, physicochemical variation, residue mobility, and thermodynamic stability) has been performed at Invitae for this missense variant, however the output from this modeling did not meet the statistical confidence thresholds required to predict the impact of this variant on BAG3 protein function. This variant has not been reported in the literature in individuals affected with BAG3-related conditions. This variant is not present in population databases (gnomAD no frequency). This sequence change replaces lysine, which is basic and polar, with glutamine, which is neutral and polar, at codon 497 of the BAG3 protein (p.Lys497Gln).

NM_004281.4(BAG3):c.1489A>C (p.Lys497Gln)

Gene: BAG3 (BAG cochaperone 3; plus strand). Cytogenetic location: 10q26.11.
Variant type: single nucleotide variant.
Coding change: c.1489A>C on transcript NM_004281.4 (MANE Select); coding-DNA position 1489, A replaced by C.
Protein change: p.Lys497Gln; replaces lysine 497 with glutamine.
Molecular consequence: missense variant.
Genome position (GRCh38, 1-based): chr10:119,677,043, A>C. VCF-style: chr10-119677043-A-C. GRCh37 (hg19) VCF-style: chr10-121436555-A-C.
Other names: short protein forms K497Q.
Identifiers: ClinVar variation 2941327 (VCV002941327.3), dbSNP rs2494024257, ClinGen allele CA378297432.